The following is an entry in ClinVar:

ClinVar aggregate classification (germline): Uncertain significance (1 of 4 stars; one submission).

Conditions:
Sulfite oxidase deficiency due to molybdenum cofactor deficiency type C. Also called: Molybdenum cofactor deficiency C; Molybdenum cofactor deficiency, complementation group C. Identifiers: Orphanet 308400, Orphanet 833, MedGen C1854990, MONDO:0014212, OMIM 615501.

Submission:

Labcorp Genetics (formerly Invitae), Labcorp
Classification: Uncertain significance for Sulfite oxidase deficiency due to molybdenum cofactor deficiency type C. Last evaluated: 2022-02-05. Review status: criteria provided, single submitter. Criteria: Invitae Variant Classification Sherloc (09022015). Collection method: clinical testing. Allele origin: germline.
Comment: This sequence change replaces isoleucine, which is neutral and non-polar, with methionine, which is neutral and non-polar, at codon 364 of the GPHN protein (p.Ile364Met). In summary, the available evidence is currently insufficient to determine the role of this variant in disease. Therefore, it has been classified as a Variant of Uncertain Significance. Algorithms developed to predict the effect of missense changes on protein structure and function are either unavailable or do not agree on the potential impact of this missense change (SIFT: "Tolerated"; PolyPhen-2: "Probably Damaging"; Align-GVGD: "Class C0"). ClinVar contains an entry for this variant (Variation ID: 838750). This variant has not been reported in the literature in individuals affected with GPHN-related conditions. This variant is not present in population databases (gnomAD no frequency).

NM_020806.5(GPHN):c.1092C>G (p.Ile364Met)

Gene: GPHN (gephyrin; plus strand). Cytogenetic location: 14q23.3.
Variant type: single nucleotide variant.
Coding change: c.1092C>G on transcript NM_020806.5 (MANE Select); coding-DNA position 1092, C replaced by G.
Protein change: p.Ile364Met; replaces isoleucine 364 with methionine.
Molecular consequence: missense variant.
Genome position (GRCh38, 1-based): chr14:67,058,734, C>G. VCF-style: chr14-67058734-C-G. GRCh37 (hg19) VCF-style: chr14-67525451-C-G.
Other names: c.993C>G, p.Ile331Met (NM_001024218.2); c.1152C>G, p.Ile384Met (NM_001377514.1); c.1122C>G, p.Ile374Met (NM_001377515.1); c.1113C>G, p.Ile371Met (NM_001377516.1); c.1065C>G, p.Ile355Met (NM_001377517.1); c.1050C>G, p.Ile350Met (NM_001377518.1); c.1032C>G, p.Ile344Met (NM_001377519.1); short protein forms I355M, I364M, I371M, I350M, I344M, I374M, I384M, I331M.
Identifiers: ClinVar variation 838750 (VCV000838750.9), dbSNP rs1339182094, ClinGen allele CA390258391.